The following is an entry in ClinVar:

ClinVar aggregate classification (germline): Conflicting classifications of pathogenicity. Review status: criteria provided, conflicting classifications (1 of 4 stars). 2 submissions from 2 submitters: Uncertain significance (1); Likely benign (1). Last evaluated 2025-10-30.

Conditions:
Hereditary cancer-predisposing syndrome. Also called: Tumor predisposition; Hereditary Cancer Syndrome; Neoplastic Syndromes, Hereditary; Hereditary neoplastic syndrome. Identifiers: Orphanet 140162, MedGen C0027672, MeSH D009386, MONDO:0015356.
Ataxia-telangiectasia syndrome (AT). Also called: Cerebello-oculocutaneous telangiectasia; Immunodeficiency with ataxia telangiectasia; Ataxia-telangiectasia, complementation group D; AT, COMPLEMENTATION GROUP C; Ataxia-telangiectasia, complementation group E; LOUIS-BAR SYNDROME. Identifiers: Orphanet 100, MedGen C0004135, MONDO:0008840, OMIM 208900.

Allele frequency attached by ClinVar (database versions not stated): gnomAD exomes below 0.00001.
gnomAD v4.1: 1 of 1,614,088 alleles (0.000062%); highest among the groups gnomAD compares: Non-Finnish European, 0.000085%; no homozygotes.

Submissions (2):

Ambry Genetics
Classification: Likely benign for Hereditary cancer-predisposing syndrome. Last evaluated: 2025-10-30. Review status: criteria provided, single submitter. Criteria: Ambry Variant Classification Scheme 2023. Collection method: clinical testing. Allele origin: germline.

Labcorp Genetics (formerly Invitae), Labcorp
Classification: Uncertain significance for Ataxia-telangiectasia syndrome. Last evaluated: 2023-09-15. Review status: criteria provided, single submitter. Criteria: Invitae Variant Classification Sherloc (09022015). Collection method: clinical testing. Allele origin: germline.
Comment: In summary, the available evidence is currently insufficient to determine the role of this variant in disease. Therefore, it has been classified as a Variant of Uncertain Significance. An algorithm developed to predict the effect of missense changes on protein structure and function (PolyPhen-2) suggests that this variant is likely to be tolerated. ClinVar contains an entry for this variant (Variation ID: 453396). This variant has not been reported in the literature in individuals affected with ATM-related conditions. This variant is not present in population databases (gnomAD no frequency). This sequence change replaces aspartic acid, which is acidic and polar, with valine, which is neutral and non-polar, at codon 658 of the ATM protein (p.Asp658Val).

Literature cited by the submitters: PubMed 40580951 (cited by Ambry Genetics).

NM_000051.4(ATM):c.1973A>T (p.Asp658Val)

Gene: ATM (ATM serine/threonine kinase; plus strand). Cytogenetic location: 11q22.3.
Variant type: single nucleotide variant.
Coding change: c.1973A>T on transcript NM_000051.4 (MANE Select); coding-DNA position 1973, A replaced by T.
Protein change: p.Asp658Val; replaces aspartic acid 658 with valine.
Molecular consequence: missense variant.
Genome position (GRCh38, 1-based): chr11:108,253,888, A>T. VCF-style: chr11-108253888-A-T. GRCh37 (hg19) VCF-style: chr11-108124615-A-T.
Other names: c.1973A>T, p.Asp658Val (NM_001351834.2); short protein forms D658V.
Identifiers: ClinVar variation 453396 (VCV000453396.11), dbSNP rs1177954052, ClinGen allele CA382536843.